The following is an entry in ClinVar:

NM_021076.4(NEFH):c.1310A>G (p.Lys437Arg)

Gene: NEFH (neurofilament heavy chain; plus strand). Cytogenetic location: 22q12.2.
Variant type: single nucleotide variant.
Coding change: c.1310A>G on transcript NM_021076.4 (MANE Select); coding-DNA position 1310, A replaced by G.
Protein change: p.Lys437Arg; replaces lysine 437 with arginine.
Molecular consequence: missense variant.
Genome position (GRCh38, 1-based): chr22:29,488,950, A>G. VCF-style: chr22-29488950-A-G. GRCh37 (hg19) VCF-style: chr22-29884939-A-G.
Other names: short protein forms K437R.
Identifiers: ClinVar variation 2868696 (VCV002868696.3), dbSNP rs1602971285, ClinGen allele CA411129058.
Genomic context (GRCh38, chr22:29,488,950, plus strand): 5'-CAATTCCTTTCTCGCTTCCAGAAGGACTCCCCAAAATTCCCTCTGTGTCCACTCACATAA[A>G]GGTGAAAAGCGAAGAGAAGATCAAAGTGGTGGAGAAGTCTGAGAAAGAAACTGTGATTGT-3'
Protein context (NP_066554.2, residues 427-447): PKIPSVSTHI[Lys437Arg]VKSEEKIKVV

ClinVar aggregate classification (germline): Uncertain significance (1 of 4 stars; one submission).

Allele frequency attached by ClinVar (database versions not stated): TOPMed 0.00001; gnomAD exomes 0.00002.
gnomAD v4.1: 29 of 1,614,214 alleles (0.0018%); highest among the groups gnomAD compares: Non-Finnish European, 0.0025%; no homozygotes.

Submission:

Labcorp Genetics (formerly Invitae), Labcorp
Classification: Uncertain significance. Last evaluated: 2023-06-23. Review status: criteria provided, single submitter. Criteria: Invitae Variant Classification Sherloc (09022015). Collection method: clinical testing. Allele origin: germline.
Comment: This sequence change replaces lysine, which is basic and polar, with arginine, which is basic and polar, at codon 437 of the NEFH protein (p.Lys437Arg). This variant is not present in population databases (gnomAD no frequency). This variant has not been reported in the literature in individuals affected with NEFH-related conditions. Advanced modeling of protein sequence and biophysical properties (such as structural, functional, and spatial information, amino acid conservation, physicochemical variation, residue mobility, and thermodynamic stability) performed at Invitae indicates that this missense variant is not expected to disrupt NEFH protein function. In summary, the available evidence is currently insufficient to determine the role of this variant in disease. Therefore, it has been classified as a Variant of Uncertain Significance.